The following is an entry in ClinVar:

ClinVar aggregate classification (germline): Uncertain significance. Review status: criteria provided, multiple submitters, no conflicts (2 of 4 stars). 3 submissions from 3 submitters: Uncertain significance (3). Last evaluated 2023-12-29.

Conditions:
Cardiovascular phenotype. Identifiers: MedGen CN230736.
Familial hypobetalipoproteinemia 1. Also called: Hypobetalipoproteinemia, normotriglyceridemic; Acanthocytosis with hypobetalipoproteinemia; APOB-Related Familial Hypobetalipoproteinemia. Identifiers: MedGen C4551990, MONDO:0014252, OMIM 615558.
Hypercholesterolemia, autosomal dominant, type B (FHCL2). Also called: Familial Hypercholesterolemia Type B; HYPERCHOLESTEROLEMIA, FAMILIAL, DUE TO LIGAND-DEFECTIVE APOLIPOPROTEIN B; Familial hypercholesterolemia 2; APOB-Related Familial Hypercholesterolemia, Autosomal Dominant; APOLIPOPROTEIN B-100, FAMILIAL DEFECTIVE; APOLIPOPROTEIN B-100, FAMILIAL LIGAND-DEFECTIVE. Identifiers: MedGen C1704417, MONDO:0007751, OMIM 144010.

Allele frequency attached by ClinVar (database versions not stated): gnomAD 0.00001; gnomAD exomes 0.00001; TOPMed 0.00001.
gnomAD v4.1: 14 of 1,613,964 alleles (0.00087%); highest among the groups gnomAD compares: Non-Finnish European, 0.0012%; no homozygotes.

Submissions (3):

Fulgent Genetics
Classification: Uncertain significance for Hypercholesterolemia, autosomal dominant, type B; Familial hypobetalipoproteinemia 1. Last evaluated: 2023-12-29. Review status: criteria provided, single submitter. Criteria: ACMG Guidelines, 2015. Collection method: clinical testing. Allele origin: germline.

Labcorp Genetics (formerly Invitae), Labcorp
Classification: Uncertain significance for Familial hypobetalipoproteinemia 1; Hypercholesterolemia, autosomal dominant, type B. Last evaluated: 2022-06-13. Review status: criteria provided, single submitter. Criteria: Invitae Variant Classification Sherloc (09022015). Collection method: clinical testing. Allele origin: germline.
Comment: This sequence change replaces histidine, which is basic and polar, with glutamine, which is neutral and polar, at codon 255 of the APOB protein (p.His255Gln). This variant is present in population databases (rs543698457, gnomAD 0.0009%). This variant has not been reported in the literature in individuals affected with APOB-related conditions. ClinVar contains an entry for this variant (Variation ID: 919760). Algorithms developed to predict the effect of missense changes on protein structure and function are either unavailable or do not agree on the potential impact of this missense change (SIFT: "Deleterious"; PolyPhen-2: "Benign"; Align-GVGD: "Class C0"). In summary, the available evidence is currently insufficient to determine the role of this variant in disease. Therefore, it has been classified as a Variant of Uncertain Significance.

Ambry Genetics
Classification: Uncertain significance for Cardiovascular phenotype. Last evaluated: 2017-08-30. Review status: criteria provided, single submitter. Criteria: Ambry Variant Classification Scheme 2023. Collection method: clinical testing. Allele origin: germline.
Comment: The p.H255Q variant (also known as c.765T>A), located in coding exon 7 of the APOB gene, results from a T to A substitution at nucleotide position 765. The histidine at codon 255 is replaced by glutamine, an amino acid with highly similar properties. This amino acid position is highly conserved in available vertebrate species. In addition, the in silico prediction for this alteration is inconclusive. Since supporting evidence is limited at this time, the clinical significance of this alteration remains unclear.

NM_000384.3(APOB):c.765T>A (p.His255Gln)

Gene: APOB (apolipoprotein B; minus strand). Cytogenetic location: 2p24.1.
Variant type: single nucleotide variant.
Coding change: c.765T>A on transcript NM_000384.3 (MANE Select); coding-DNA position 765, T replaced by A.
Protein change: p.His255Gln; replaces histidine 255 with glutamine.
Molecular consequence: missense variant.
Genome position (GRCh38, 1-based): chr2:21,035,637, A>T on the plus strand (T>A on the coding strand, the complement: APOB is on the minus strand). VCF-style: chr2-21035637-A-T. GRCh37 (hg19) VCF-style: chr2-21258509-A-T.
Other names: short protein forms H255Q.
Identifiers: ClinVar variation 919760 (VCV000919760.12), dbSNP rs543698457, ClinGen allele CA064633.